The following is an entry in ClinVar:

ClinVar aggregate classification (germline): Uncertain significance (1 of 4 stars; one submission).

Conditions:
MACF1-related disorder. Also called: MACF1-related condition.

gnomAD v4.1: 7 of 1,611,594 alleles (0.00043%); highest among the groups gnomAD compares: Non-Finnish European, 0.00059%; no homozygotes.

Submission:

PreventionGenetics, part of Exact Sciences
Classification: Uncertain significance for MACF1-related condition. Last evaluated: 2026-03-17. Review status: criteria provided, single submitter. Criteria: ACMG Guidelines, 2015. Collection method: clinical testing. Allele origin: germline.
Comment: The MACF1 c.6901C>T variant is predicted to result in the amino acid substitution p.His2301Tyr. To our knowledge, this variant has not been reported in the literature or in a large population database (gnomAD), indicating this variant is rare. At this time, the clinical significance of this variant is uncertain due to the absence of conclusive functional and genetic evidence.

NM_001394062.1(MACF1):c.13087C>T (p.His4363Tyr)

Gene: MACF1 (microtubule actin crosslinking factor 1; plus strand). Cytogenetic location: 1p34.3.
Variant type: single nucleotide variant.
Coding change: c.13087C>T on transcript NM_001394062.1 (MANE Select); coding-DNA position 13087, C replaced by T.
Protein change: p.His4363Tyr; replaces histidine 4363 with tyrosine.
Molecular consequence: missense variant.
Genome position (GRCh38, 1-based): chr1:39,370,178, C>T. VCF-style: chr1-39370178-C-T. GRCh37 (hg19) VCF-style: chr1-39835850-C-T.
Other names: c.6901C>T, p.His2301Tyr (NM_012090.5); short protein forms H2301Y, H4363Y.
Identifiers: ClinVar variation 4984626 (VCV004984626.1).